The following is an entry in ClinVar:

ClinVar aggregate classification (germline): Uncertain significance (1 of 4 stars; one submission).

Conditions:
Alzheimer disease. Also called: Presenile and senile dementia; Alzheimer's disease. Identifiers: Orphanet 1020, MedGen C0002395, MeSH D000544, MONDO:0004975, HP:0002511.

gnomAD v4.1: 2 of 1,613,998 alleles (0.00012%); highest among the groups gnomAD compares: Non-Finnish European, 0.00017%; no homozygotes.

Submission:

Labcorp Genetics (formerly Invitae), Labcorp
Classification: Uncertain significance for Alzheimer disease. Last evaluated: 2024-10-15. Review status: criteria provided, single submitter. Criteria: Invitae Variant Classification Sherloc (09022015). Collection method: clinical testing. Allele origin: germline.
Comment: This sequence change falls in intron 7 of the APP gene. It does not directly change the encoded amino acid sequence of the APP protein. It affects a nucleotide within the consensus splice site. This variant is not present in population databases (gnomAD no frequency). This variant has not been reported in the literature in individuals affected with APP-related conditions. Variants that disrupt the consensus splice site are a relatively common cause of aberrant splicing (PMID: 17576681, 9536098). Algorithms developed to predict the effect of sequence changes on RNA splicing suggest that this variant is not likely to affect RNA splicing. In summary, the available evidence is currently insufficient to determine the role of this variant in disease. Therefore, it has been classified as a Variant of Uncertain Significance.

Literature cited by the submitters: PubMed 17576681; PubMed 9536098.

NM_000484.4(APP):c.1033+4A>G

Gene: APP (amyloid beta precursor protein; minus strand). Cytogenetic location: 21q21.3.
Variant type: single nucleotide variant.
Coding change: c.1033+4A>G on transcript NM_000484.4 (MANE Select); 4 bases into the intron after coding-DNA position 1033, A replaced by G.
Molecular consequence: intron variant.
Genome position (GRCh38, 1-based): chr21:26,000,011, T>C on the plus strand (A>G on the coding strand, the complement: APP is on the minus strand). VCF-style: chr21-26000011-T-C. GRCh37 (hg19) VCF-style: chr21-27372326-T-C.
Other names: c.761-17534A>G (NM_001136131.3); c.698-17534A>G (NM_001136129.3); c.865+4A>G (NM_001136130.3); c.866-17534A>G (NM_001204303.2, NM_201414.3); c.866-2595A>G (NM_001385253.1); c.1033+4A>G (NM_001204302.2, NM_201413.3, NM_001204301.2); c.1018+4A>G (NM_001136016.3).
Identifiers: ClinVar variation 3690153 (VCV003690153.2).